The following is an entry in ClinVar:

NM_001377142.1(PLCB4):c.1464C>T (p.Ser488=)

Gene: PLCB4 (phospholipase C beta 4; plus strand). Cytogenetic location: 20p12.2.
Variant type: single nucleotide variant.
Coding change: c.1464C>T on transcript NM_001377142.1 (MANE Select); coding-DNA position 1464, C replaced by T.
Protein change: p.Ser488=; no amino-acid change (serine 488 retained).
Molecular consequence: synonymous variant.
Genome position (GRCh38, 1-based): chr20:9,395,572, C>T. VCF-style: chr20-9395572-C-T. GRCh37 (hg19) VCF-style: chr20-9376219-C-T.
Other names: c.1464C>T, p.Ser488= (NM_000933.4, NM_001172646.2, NM_001377134.2 and 4 more transcripts).
Identifiers: ClinVar variation 4989861 (VCV004989861.1).
Genomic context (GRCh38, chr20:9,395,572, plus strand): 5'-TTTGCTAACAGAACAGCTGGAAGCTTTGAGAAGCATGATGGAAGCTGGAGAATCTGCCTC[C>T]CCAGCAAACATCTTAGAGGACGATAATGAAGAGGAGATCGAAAGTGGTGAGCTGTTTGCT-3'
Protein context (NP_001364071.1, residues 478-498): RSMMEAGESA[Ser488=]PANILEDDNE

ClinVar aggregate classification (germline): Likely benign (1 of 4 stars; one submission).

Conditions:
PLCB4-related disorder. Also called: PLCB4-related condition.

gnomAD v4.1: 166 of 1,613,754 alleles (0.01%); highest among the groups gnomAD compares: East Asian, 0.37%; no homozygotes.

Submission:

PreventionGenetics, part of Exact Sciences
Classification: Likely benign for PLCB4-related condition. Last evaluated: 2025-01-13. Review status: criteria provided, single submitter. Criteria: ACMG Guidelines, 2015. Collection method: clinical testing. Allele origin: germline.
Comment: This variant is classified as likely benign based on ACMG/AMP sequence variant interpretation guidelines (Richards et al. 2015 PMID: 25741868, with internal and published modifications).